The following is an entry in ClinVar:

NM_024577.4(SH3TC2):c.1096_1097del (p.Thr366fs)

Gene: SH3TC2 (SH3 domain and tetratricopeptide repeats 2; minus strand). Cytogenetic location: 5q32.
Variant type: Microsatellite.
Coding change: c.1096_1097del on transcript NM_024577.4 (MANE Select); coding-DNA positions 1096 to 1097, 2 bases deleted (AC; older notation c.1096_1097delAC).
Protein change: p.Thr366fs; shifts the reading frame from threonine 366.
Molecular consequence: frameshift variant.
Genome position (GRCh38, 1-based): chr5:149,031,592-149,031,593, GT deleted on the plus strand (AC on the coding strand, the reverse complement: SH3TC2 is on the minus strand); deleting any 2 consecutive bases within chr5:149,031,592-149,031,596 gives the same sequence; the c. name uses the placement nearest the transcript's 3' end. VCF-style (leftmost placement, unchanged base first): chr5-149031591-AGT-A. GRCh37 (hg19) VCF-style: chr5-148411154-AGT-A.
Other names: c.1093_1094CA[1], p.Thr366Serfs (NM_024577.3); c.1096_1097del (NM_024577.3); short protein forms T366fs.
Identifiers: ClinVar variation 3571966 (VCV003571966.1).
Genomic context (GRCh38, chr5:149,031,591, plus strand): 5'-GGTGTCTGAGGACCAACACTCACTGAGCCGGTAGACAGATGTGATGTCAGTGCGAGCAAG[AGT>A]GTGGAGGAAGCTGGAACACTCAGTCTGCTTATCACTTCCCAGGGCCAACAGGGAGCATCT-3'

ClinVar aggregate classification (germline): Pathogenic (1 of 4 stars; one submission).

Submission:

Athena Diagnostics
Classification: Pathogenic. Last evaluated: 2024-04-30. Review status: criteria provided, single submitter. Criteria: Athena Diagnostics Criteria. Collection method: clinical testing. Allele origin: unknown.
Comment: This variant is expected to result in the loss of a functional protein. This variant has not been reported in large, multi-ethnic general populations. This variant has been identified in at least one individual tested at Athena Diagnostics with clinical features associated with this gene.